The following is an entry in ClinVar:

ClinVar aggregate classification (germline): Uncertain significance (1 of 4 stars; one submission).

gnomAD v4.1: 10 of 691,936 alleles (0.0014%); highest among the groups gnomAD compares: African/African-American, 0.0035%; no homozygotes.

Submission:

Labcorp Genetics (formerly Invitae), Labcorp
Classification: Uncertain significance. Last evaluated: 2022-04-29. Review status: criteria provided, single submitter. Criteria: Invitae Variant Classification Sherloc (09022015). Collection method: clinical testing. Allele origin: germline.
Comment: This variant occurs in the RNU4ATAC gene, which encodes an RNA molecule that does not result in a protein product. This variant is present in population databases (no rsID available, gnomAD 0.004%). This variant has not been reported in the literature in individuals affected with RNU4ATAC-related conditions. Experimental studies and prediction algorithms are not available or were not evaluated, and the functional significance of this variant is currently unknown. In summary, the available evidence is currently insufficient to determine the role of this variant in disease. Therefore, it has been classified as a Variant of Uncertain Significance.

NC_000002.12:g.121530880A>G

Genes: CLASP1 (cytoplasmic linker associated protein 1; minus strand), CLASP1-AS1 (CLASP1 antisense RNA 1; plus strand), RNU4ATAC (RNA, U4atac small nuclear; plus strand). Cytogenetic location: 2q14.2.
Variant type: single nucleotide variant.
Molecular consequence: intron variant (on NM_001395891.1).
Genome position: GRCh38 VCF-style: chr2-121530880-A-G. GRCh37 (hg19) VCF-style: chr2-122288456-A-G.
Other names: c.196-555T>C (NM_001142274.2, NM_015282.3, NM_001378003.1 and 5 more transcripts).
Identifiers: ClinVar variation 1917117 (VCV001917117.2), dbSNP rs769805188, ClinGen allele CA536071216.